The following is an entry in ClinVar:

NM_001379180.1(ESRRB):c.982A>G (p.Met328Val)

Gene: ESRRB (estrogen related receptor beta; plus strand). Cytogenetic location: 14q24.3.
Variant type: single nucleotide variant.
Coding change: c.982A>G on transcript NM_001379180.1 (MANE Select); coding-DNA position 982, A replaced by G.
Protein change: p.Met328Val; replaces methionine 328 with valine.
Molecular consequence: missense variant.
Genome position (GRCh38, 1-based): chr14:76,491,578, A>G. VCF-style: chr14-76491578-A-G. GRCh37 (hg19) VCF-style: chr14-76957921-A-G.
Other names: c.934A>G, p.Met312Val (NM_001411038.1); c.919A>G, p.Met307Val (NM_004452.4); short protein forms M312V, M307V, M328V.
Identifiers: ClinVar variation 4795518 (VCV004795518.1).
Genomic context (GRCh38, chr14:76,491,578, plus strand): 5'-GGCATCGTGTACCGCTCGCTGCCCTATGACGACAAGCTGGTGTACGCTGAGGACTACATC[A>G]TGGATGAGGAGCACTCCCGCCTCGCGGGGCTGCTGGAGCTCTACCGGGCCATCCTGCAGC-3'
Protein context (NP_001366109.1, residues 318-338): DKLVYAEDYI[Met328Val]DEEHSRLAGL

ClinVar aggregate classification (germline): Uncertain significance (1 of 4 stars; one submission).

Submission:

GeneDx
Classification: Uncertain significance. Last evaluated: 2025-08-11. Review status: criteria provided, single submitter. Criteria: GeneDx Variant Classification Process June 2021. Collection method: clinical testing. Allele origin: germline. Affected: yes.
Comment: Not observed at significant frequency in large population cohorts (gnomAD); In silico analysis suggests that this missense variant does not alter protein structure/function; Has not been previously published as pathogenic or benign to our knowledge